The following is an entry in ClinVar:

ClinVar aggregate classification (germline): Pathogenic. Review status: criteria provided, single submitter (1 of 4 stars). 2 submissions from 2 submitters: Pathogenic (1). 1 of the submissions does not count toward it. Last evaluated 2024-08-21.

Conditions:
CDKL5 disorder. Identifiers: MedGen CN296942, MONDO:0100039.
Developmental and epileptic encephalopathy, 2 (DEE2). Also called: INFANTILE SPASM SYNDROME, X-LINKED 2; CDKL5 deficiency disorder. Identifiers: Orphanet 1934, Orphanet 3451, Orphanet 505652, MedGen C4750718, MONDO:0010396, OMIM 300672.

Submissions (2):

Centre for Population Genomics, CPG
Classification: Pathogenic for CDKL5 disorder. Last evaluated: 2024-08-21. Review status: criteria provided, single submitter. Criteria: McKnight et al. (Hum Mutat. 2022). Collection method: curation. Allele origin: germline. Inheritance: X-linked inheritance.
Comment: This variant has been collected from RettBASE and curated to current modified ACMG/AMP criteria. Based on the classification scheme defined by the ClinGen Rett/Angelman-like Expert Panel for Rett/AS-like Disorders Specifications to the ACMG/AMP Variant Interpretation Guidelines VCEP 3.0, this variant is classified as pathogenic. At least the following criteria are met: Predicted to result in loss of function, and LOF is a known mechanism of disease (PVS1). This variant has been identified as a de novo occurrence in an individual with CDKL5 disorder without confirmation of paternity and maternity (PM6). PMID: 18790821 This variant is absent from gnomAD v4 (PM2_Supporting).

RettBASE
Classification: Pathogenic for Epileptic encephalopathy, early infantile, 2. Last evaluated: 2014-03-13. Review status: no assertion criteria provided. Collection method: curation. Allele origin: de novo. Affected: yes. Observed: 1 variant allele. Not counted in ClinVar's aggregate classification.
Comment: Bahi-Buisson et al 2008 suggested transcript unstable

Literature cited by the submitters: PubMed 18790821 (cited by RettBASE).

NM_001323289.2(CDKL5):c.425T>A (p.Leu142Ter)

Gene: CDKL5 (cyclin dependent kinase like 5; plus strand). Cytogenetic location: Xp22.13.
Variant type: single nucleotide variant.
Coding change: c.425T>A on transcript NM_001323289.2 (MANE Select); coding-DNA position 425, T replaced by A.
Protein change: p.Leu142Ter; replaces leucine 142 with a stop codon.
Molecular consequence: nonsense.
Genome position (GRCh38, 1-based): chrX:18,581,912, T>A. VCF-style: chrX-18581912-T-A. GRCh37 (hg19) VCF-style: chrX-18600032-T-A.
Other names: NM_001323289.2(CDKL5):c.425T>A; p.Leu142Ter; c.425T>A, p.Leu142Ter (NM_001037343.2, NM_003159.3); short protein forms L142*.
Identifiers: ClinVar variation 143821 (VCV000143821.4), dbSNP rs267608477, ClinGen allele CA170492.